The following is an entry in ClinVar:

NM_000051.4(ATM):c.4354G>T (p.Asp1452Tyr)

Gene: ATM (ATM serine/threonine kinase; plus strand). Cytogenetic location: 11q22.3.
Variant type: single nucleotide variant.
Coding change: c.4354G>T on transcript NM_000051.4 (MANE Select); coding-DNA position 4354, G replaced by T.
Protein change: p.Asp1452Tyr; replaces aspartic acid 1452 with tyrosine.
Molecular consequence: missense variant.
Genome position (GRCh38, 1-based): chr11:108,289,719, G>T. VCF-style: chr11-108289719-G-T. GRCh37 (hg19) VCF-style: chr11-108160446-G-T.
Other names: c.4354G>T (NM_000051.3); c.4354G>T, p.Asp1452Tyr (NM_001351834.2); short protein forms D1452Y.
Identifiers: ClinVar variation 1044574 (VCV001044574.7), dbSNP rs1012695949, ClinGen allele CA382532016.

ClinVar aggregate classification (germline): Uncertain significance. Review status: criteria provided, multiple submitters, no conflicts (2 of 4 stars). 2 submissions from 2 submitters: Uncertain significance (2). Last evaluated 2025-06-21.

Conditions:
Ataxia-telangiectasia syndrome (AT). Also called: ATAXIA-TELANGIECTASIA, COMPLEMENTATION GROUP A; ATAXIA-TELANGIECTASIA, FRESNO VARIANT; Ataxia-telangiectasia, complementation group D; AT, COMPLEMENTATION GROUP C; Cerebello-oculocutaneous telangiectasia; Immunodeficiency with ataxia telangiectasia. Identifiers: Orphanet 100, MedGen C0004135, MONDO:0008840, OMIM 208900.
Hereditary cancer-predisposing syndrome. Also called: Hereditary neoplastic syndrome; Neoplastic Syndromes, Hereditary; Tumor predisposition; Hereditary Cancer Syndrome. Identifiers: Orphanet 140162, MedGen C0027672, MeSH D009386, MONDO:0015356.

Submissions (2):

Ambry Genetics
Classification: Uncertain significance for Hereditary cancer-predisposing syndrome. Last evaluated: 2025-06-21. Review status: criteria provided, single submitter. Criteria: Ambry Variant Classification Scheme 2023. Collection method: clinical testing. Allele origin: germline.
Comment: The p.D1452Y variant (also known as c.4354G>T), located in coding exon 28 of the ATM gene, results from a G to T substitution at nucleotide position 4354. The aspartic acid at codon 1452 is replaced by tyrosine, an amino acid with highly dissimilar properties. This amino acid position is conserved. In addition, the in silico prediction for this alteration is inconclusive. Based on the available evidence, the clinical significance of this variant remains unclear.

Labcorp Genetics (formerly Invitae), Labcorp
Classification: Uncertain significance for Ataxia-telangiectasia syndrome. Last evaluated: 2021-08-24. Review status: criteria provided, single submitter. Criteria: Invitae Variant Classification Sherloc (09022015). Collection method: clinical testing. Allele origin: germline.
Comment: This sequence change replaces aspartic acid with tyrosine at codon 1452 of the ATM protein (p.Asp1452Tyr). The aspartic acid residue is weakly conserved and there is a large physicochemical difference between aspartic acid and tyrosine. This variant is not present in population databases (ExAC no frequency). This variant has not been reported in the literature in individuals affected with ATM-related conditions. Algorithms developed to predict the effect of missense changes on protein structure and function (SIFT, PolyPhen-2, Align-GVGD) all suggest that this variant is likely to be disruptive. In summary, the available evidence is currently insufficient to determine the role of this variant in disease. Therefore, it has been classified as a Variant of Uncertain Significance.